The following is an entry in ClinVar:

NM_001754.5(RUNX1):c.213G>A (p.Leu71=)

Gene: RUNX1 (RUNX family transcription factor 1; minus strand). Cytogenetic location: 21q22.12.
Variant type: single nucleotide variant.
Coding change: c.213G>A on transcript NM_001754.5 (MANE Select); coding-DNA position 213, G replaced by A.
Protein change: p.Leu71=; no amino-acid change (leucine 71 retained).
Molecular consequence: synonymous variant.
Genome position (GRCh38, 1-based): chr21:34,886,981, C>T on the plus strand (G>A on the coding strand, the complement: RUNX1 is on the minus strand). VCF-style: chr21-34886981-C-T. GRCh37 (hg19) VCF-style: chr21-36259278-C-T.
Other names: NM_001754.5(RUNX1):c.213G>A; p.Leu71=; c.132G>A, p.Leu44= (NM_001001890.3, NM_001122607.2); c.213G>A (NM_001754.4).
Identifiers: ClinVar variation 1556993 (VCV001556993.12), dbSNP rs2146411874, ClinGen allele CA512318914.

ClinVar aggregate classification (germline): Likely benign. Review status: reviewed by expert panel (3 of 4 stars). 3 submissions from 3 submitters: Likely benign (1). 2 of the submissions do not count toward it. Last evaluated 2026-05-04.

Conditions:
Hereditary thrombocytopenia and hematologic cancer predisposition syndrome. Identifiers: Orphanet 71290, MedGen CN281654, MONDO:0011071.
Hereditary thrombocytopenia and hematological cancer predisposition syndrome associated with RUNX1. Also called: RUNX1 Familial Platelet Disorder with Associated Myeloid Malignancies; Familial Platelet Disorder with Propensity to Acute Myelogenous Leukemia; Familial thrombocytopenia with propensity to acute myelogenous leukemia; PLATELET DISORDER, ASPIRIN-LIKE. Identifiers: Orphanet 71290, MedGen C1832388, MeSH C563324, MONDO:0100083, OMIM 601399.
Inborn genetic diseases. Identifiers: MedGen C0950123, MeSH D030342.

Submissions (3):

ClinGen Myeloid Malignancy Variant Curation Expert Panel
Classification: Likely benign for Hereditary thrombocytopenia and hematologic cancer predisposition syndrome. Last evaluated: 2026-05-04. Review status: reviewed by expert panel. Criteria: ClinGen MyeloMalig ACMG Specifications V3.1. Collection method: curation. Allele origin: germline. Inheritance: Autosomal dominant inheritance.
Comment: NM_001754.5(RUNX1):c.213G>A (p.Leu71=) is a synonymous variant which has a SpliceAI score ≤ 0.20 (0.01) (BP4, BP7). This variant is completely absent from all population databases with at least 20x coverage for RUNX1 (PM2_supporting). In summary, this variant meets criteria to be classified as likely benign. ACMG/AMP criteria applied, as specified by the Myeloid Malignancy Variant Curation Expert Panel for RUNX1: BP4, BP7, PM2_supporting.

Ambry Genetics
Classification: Likely benign for Inborn genetic diseases. Last evaluated: 2025-09-19. Review status: criteria provided, single submitter. Criteria: Ambry Variant Classification Scheme 2023. Collection method: clinical testing. Allele origin: germline. Not counted in ClinVar's aggregate classification.

Labcorp Genetics (formerly Invitae), Labcorp
Classification: Likely benign for Hereditary thrombocytopenia and hematological cancer predisposition syndrome associated with RUNX1. Last evaluated: 2021-05-11. Review status: criteria provided, single submitter. Criteria: Invitae Variant Classification Sherloc (09022015). Collection method: clinical testing. Allele origin: germline. Not counted in ClinVar's aggregate classification.